The following is an entry in ClinVar:

ClinVar aggregate classification (germline): Benign/Likely benign. Review status: criteria provided, multiple submitters, no conflicts (2 of 4 stars). 2 submissions from 2 submitters: Benign (1); Likely benign (1). Last evaluated 2021-11-20.

Conditions:
Danon disease. Also called: ANTOPOL DISEASE; PSEUDOGLYCOGENOSIS II; GSD IIb; LYSOSOMAL GLYCOGEN STORAGE DISEASE WITHOUT ACID MALTASE DEFICIENCY; Glycogen Storage Disease Type IIb. Identifiers: Orphanet 34587, MedGen C0878677, MONDO:0010281, OMIM 300257.

Allele frequency attached by ClinVar (database versions not stated): gnomAD exomes 0.00023; 1000 Genomes Project 0.01007; gnomAD 0.01107 and 0.01199.
gnomAD v4.1: 1,245 of 644,253 alleles (0.19%); highest among the groups gnomAD compares: African/African-American, 3.3%; 13 homozygotes.

Submissions (2):

GeneDx
Classification: Likely benign. Last evaluated: 2021-11-20. Review status: criteria provided, single submitter. Criteria: GeneDx Variant Classification Process June 2021. Collection method: clinical testing. Allele origin: germline. Affected: yes.
Comment: See Variant Classification Assertion Criteria.

Illumina Laboratory Services, Illumina
Classification: Benign for Danon disease. Last evaluated: 2018-01-12. Review status: criteria provided, single submitter. Criteria: ICSL Variant Classification Criteria 13 December 2019. Collection method: clinical testing. Allele origin: germline.
Comment: This variant was observed in the ICSL laboratory as part of a predisposition screen in an ostensibly healthy population. It had not been previously curated by ICSL or reported in the Human Gene Mutation Database (HGMD: prior to June 1st, 2018), and was therefore a candidate for classification through an automated scoring system. Utilizing variant allele frequency, disease prevalence and penetrance estimates, and inheritance mode, an automated score was calculated to assess if this variant is too frequent to cause the disease. Based on the score and internal cut-off values, a variant classified as benign is not then subjected to further curation. The score for this variant resulted in a classification of benign for this disease.

NM_002294.3(LAMP2):c.*2162G>A

Gene: LAMP2 (lysosome associated membrane protein 2; minus strand). Cytogenetic location: Xq24.
Variant type: single nucleotide variant.
Coding change: c.*2162G>A on transcript NM_002294.3 (MANE Select); 2162 bases downstream of the stop codon, G replaced by A.
Molecular consequence: 3 prime UTR variant. On other transcripts: intron variant (1).
Genome position (GRCh38, 1-based): chrX:120,429,161, C>T on the plus strand (G>A on the coding strand, the complement: LAMP2 is on the minus strand). VCF-style: chrX-120429161-C-T. GRCh37 (hg19) VCF-style: chrX-119563016-C-T.
Other names: c.1094-535G>A (NM_001122606.1).
Identifiers: ClinVar variation 367763 (VCV000367763.7), dbSNP rs767123866, ClinGen allele CA10645855.